The following is an entry in ClinVar:

ClinVar aggregate classification (germline): Uncertain significance. Review status: criteria provided, multiple submitters, no conflicts (2 of 4 stars). 2 submissions from 2 submitters: Uncertain significance (2). Last evaluated 2024-03-29.

Conditions:
Nephrolithiasis/nephrocalcinosis. Identifiers: MedGen CN580796.
Neonatal severe primary hyperparathyroidism. Identifiers: Orphanet 417, MedGen C1832615, MONDO:0009397, OMIM 239200.
Autosomal dominant hypocalcemia 1 (HYPOC1). Also called: HYPOCALCEMIA, FAMILIAL. Identifiers: MedGen C3715128, MONDO:0011013, OMIM 601198.
Familial hypocalciuric hypercalcemia 1. Also called: Hypercalcemia, familial benign type 1. Identifiers: Orphanet 405, Orphanet 93372, MedGen C0342637, MONDO:0007791, OMIM 145980.
Epilepsy, idiopathic generalized, susceptibility to, 8. Identifiers: MedGen C2752062, MONDO:0013032, OMIM 612899.

Allele frequency attached by ClinVar (database versions not stated): ExAC 0.00001.
gnomAD v4.1: 1 of 1,614,206 alleles (0.000062%); highest among the groups gnomAD compares: Non-Finnish European, 0.000085%; no homozygotes.

Submissions (2):

Fulgent Genetics
Classification: Uncertain significance for Familial hypocalciuric hypercalcemia 1; Neonatal severe primary hyperparathyroidism; Autosomal dominant hypocalcemia 1; Epilepsy, idiopathic generalized, susceptibility to, 8. Last evaluated: 2024-03-29. Review status: criteria provided, single submitter. Criteria: ACMG Guidelines, 2015. Collection method: clinical testing. Allele origin: germline.

Ambry Genetics
Classification: Uncertain significance for Nephrolithiasis/nephrocalcinosis. Last evaluated: 2022-10-29. Review status: criteria provided, single submitter. Criteria: Ambry Variant Classification Scheme 2023. Collection method: clinical testing. Allele origin: germline.
Comment: The p.T1006M variant (also known as c.3017C>T), located in coding exon 6 of the CASR gene, results from a C to T substitution at nucleotide position 3017. The threonine at codon 1006 is replaced by methionine, an amino acid with similar properties. This amino acid position is conserved. In addition, this alteration is predicted to be tolerated by in silico analysis. Since supporting evidence is limited at this time, the clinical significance of this alteration remains unclear.

NM_000388.4(CASR):c.3017C>T (p.Thr1006Met)

Gene: CASR (calcium sensing receptor; plus strand). Cytogenetic location: 3q21.1.
Variant type: single nucleotide variant.
Coding change: c.3017C>T on transcript NM_000388.4 (MANE Select); coding-DNA position 3017, C replaced by T.
Protein change: p.Thr1006Met; replaces threonine 1006 with methionine.
Molecular consequence: missense variant.
Genome position (GRCh38, 1-based): chr3:122,284,971, C>T. VCF-style: chr3-122284971-C-T. GRCh37 (hg19) VCF-style: chr3-122003818-C-T.
Other names: c.3047C>T, p.Thr1016Met (NM_001178065.2); short protein forms T1016M, T1006M.
Identifiers: ClinVar variation 1798866 (VCV001798866.3), dbSNP rs779634167, ClinGen allele CA2569908.